The following is an entry in ClinVar:

ClinVar aggregate classification (germline): Likely pathogenic (1 of 4 stars; one submission).

Conditions:
Primary ciliary dyskinesia 23 (CILD23). Also called: CILIARY DYSKINESIA, PRIMARY, 23, WITH OR WITHOUT SITUS INVERSUS. Identifiers: Orphanet 244, MedGen C3809548, MONDO:0014193, OMIM 615451.

gnomAD v4.1: 1 of 1,586,766 alleles (0.000063%); highest among the groups gnomAD compares: Admixed American, 0.0018%; no homozygotes.

Submission:

Labcorp Genetics (formerly Invitae), Labcorp
Classification: Likely pathogenic for Primary ciliary dyskinesia 23. Last evaluated: 2025-10-21. Review status: criteria provided, single submitter. Criteria: Invitae Variant Classification Sherloc (09022015). Collection method: clinical testing. Allele origin: germline.
Comment: This sequence change affects an acceptor splice site in intron 17 of the ARMC4 gene. It is expected to disrupt RNA splicing. Variants that disrupt the donor or acceptor splice site typically lead to a loss of protein function (PMID: 16199547), and loss-of-function variants in ARMC4 are known to be pathogenic (PMID: 23849778). This variant is present in population databases (no rsID available, gnomAD 0.004%). This variant has not been reported in the literature in individuals affected with ARMC4-related conditions. Algorithms developed to predict the effect of sequence changes on RNA splicing suggest that this variant may disrupt the consensus splice site. In summary, the currently available evidence indicates that the variant is pathogenic, but additional data are needed to prove that conclusively. Therefore, this variant has been classified as Likely Pathogenic.

Literature cited by the submitters: PubMed 16199547; PubMed 23849778.

NM_018076.5(ODAD2):c.2611-2A>G

Gene: ODAD2 (outer dynein arm docking complex subunit 2; minus strand). Cytogenetic location: 10p12.1.
Variant type: single nucleotide variant.
Coding change: c.2611-2A>G on transcript NM_018076.5 (MANE Select); the canonical splice acceptor site of the intron before coding-DNA position 2611, A replaced by G.
Molecular consequence: splice acceptor variant.
Genome position (GRCh38, 1-based): chr10:27,862,624, T>C on the plus strand (A>G on the coding strand, the complement: ODAD2 is on the minus strand). VCF-style: chr10-27862624-T-C. GRCh37 (hg19) VCF-style: chr10-28151553-T-C.
Other names: c.2611-2A>G (NM_001290020.2); c.1687-2A>G (NM_001312689.2); c.1186-2A>G (NM_001290021.2).
Identifiers: ClinVar variation 4705775 (VCV004705775.1).